The following is an entry in ClinVar:

ClinVar aggregate classification (germline): Uncertain significance (1 of 4 stars; one submission).

Conditions:
Spastic paraplegia. Identifiers: MedGen C0037772, HP:0001258.

Submission:

Labcorp Genetics (formerly Invitae), Labcorp
Classification: Uncertain significance for Spastic paraplegia. Last evaluated: 2022-07-12. Review status: criteria provided, single submitter. Criteria: Invitae Variant Classification Sherloc (09022015). Collection method: clinical testing. Allele origin: germline.
Comment: In summary, the available evidence is currently insufficient to determine the role of this variant in disease. Therefore, it has been classified as a Variant of Uncertain Significance. Algorithms developed to predict the effect of missense changes on protein structure and function (SIFT, PolyPhen-2, Align-GVGD) all suggest that this variant is likely to be disruptive. ClinVar contains an entry for this variant (Variation ID: 845586). This variant has not been reported in the literature in individuals affected with ZFYVE26-related conditions. This variant is not present in population databases (gnomAD no frequency). This sequence change replaces leucine, which is neutral and non-polar, with proline, which is neutral and non-polar, at codon 123 of the ZFYVE26 protein (p.Leu123Pro).

NM_015346.4(ZFYVE26):c.368T>C (p.Leu123Pro)

Gene: ZFYVE26 (zinc finger FYVE-type containing 26; minus strand). Cytogenetic location: 14q24.1.
Variant type: single nucleotide variant.
Coding change: c.368T>C on transcript NM_015346.4 (MANE Select); coding-DNA position 368, T replaced by C.
Protein change: p.Leu123Pro; replaces leucine 123 with proline.
Molecular consequence: missense variant.
Genome position (GRCh38, 1-based): chr14:67,807,916, A>G on the plus strand (T>C on the coding strand, the complement: ZFYVE26 is on the minus strand). VCF-style: chr14-67807916-A-G. GRCh37 (hg19) VCF-style: chr14-68274633-A-G.
Other names: short protein forms L123P.
Identifiers: ClinVar variation 845586 (VCV000845586.9), dbSNP rs2040220014, ClinGen allele CA390162366.